The following is an entry in ClinVar:

NM_006648.4(WNK2):c.2237C>T (p.Pro746Leu)

Gene: WNK2 (WNK lysine deficient protein kinase 2; plus strand). Cytogenetic location: 9q22.31.
Variant type: single nucleotide variant.
Coding change: c.2237C>T on transcript NM_006648.4 (MANE Select); coding-DNA position 2237, C replaced by T.
Protein change: p.Pro746Leu; replaces proline 746 with leucine.
Molecular consequence: missense variant.
Genome position (GRCh38, 1-based): chr9:93,256,994, C>T. VCF-style: chr9-93256994-C-T. GRCh37 (hg19) VCF-style: chr9-96019276-C-T.
Other names: c.2237C>T, p.Pro746Leu (NM_001282394.3); short protein forms P746L.
Identifiers: ClinVar variation 3817219 (VCV003817219.1).

ClinVar aggregate classification (germline): Uncertain significance (1 of 4 stars; one submission).

gnomAD v4.1: 1 of 1,597,624 alleles (0.000063%); highest among the groups gnomAD compares: Non-Finnish European, 0.000085%; no homozygotes.

Submission:

Ambry Genetics
Classification: Uncertain significance. Last evaluated: 2025-03-06. Review status: criteria provided, single submitter. Criteria: Ambry Variant Classification Scheme 2023. Collection method: clinical testing. Allele origin: germline.
Comment: The p.P746L variant (also known as c.2237C>T), located in coding exon 10 of the WNK2 gene, results from a C to T substitution at nucleotide position 2237. The proline at codon 746 is replaced by leucine, an amino acid with similar properties. This amino acid position is conserved. In addition, this alteration is predicted to be tolerated by in silico analysis. Based on the available evidence, the clinical significance of this variant remains unclear.